The following is an entry in ClinVar:

NM_001009944.3(PKD1):c.2803C>T (p.Leu935Phe)

Gene: PKD1 (polycystin 1, transient receptor potential channel interacting; minus strand). Cytogenetic location: 16p13.3.
Variant type: single nucleotide variant.
Coding change: c.2803C>T on transcript NM_001009944.3 (MANE Select); coding-DNA position 2803, C replaced by T.
Protein change: p.Leu935Phe; replaces leucine 935 with phenylalanine.
Molecular consequence: missense variant.
Genome position (GRCh38, 1-based): chr16:2,114,220, G>A on the plus strand (C>T on the coding strand, the complement: PKD1 is on the minus strand). VCF-style: chr16-2114220-G-A. GRCh37 (hg19) VCF-style: chr16-2164221-G-A.
Other names: p.Leu935Phe; c.2803C>T, p.Leu935Phe (NM_000296.4); short protein forms L935F.
Identifiers: ClinVar variation 3380357 (VCV003380357.1).

ClinVar aggregate classification (germline): Uncertain significance (1 of 4 stars; one submission).

gnomAD v4.1: 1 of 1,609,826 alleles (0.000062%); highest among the groups gnomAD compares: South Asian, 0.0011%; no homozygotes.

Submission:

Mayo Clinic Laboratories, Mayo Clinic
Classification: Uncertain significance. Last evaluated: 2024-03-05. Review status: criteria provided, single submitter. Criteria: ACMG Guidelines, 2015. Collection method: clinical testing. Allele origin: germline. Observed: 2 variant alleles.
Comment: PM2, PS4_supporting

Literature cited by the submitters: PubMed 35778421.